The following is an entry in ClinVar:

NM_024675.4(PALB2):c.3428T>C (p.Leu1143Pro)

Gene: PALB2 (partner and localizer of BRCA2; minus strand). Cytogenetic location: 16p12.2.
Variant type: single nucleotide variant.
Coding change: c.3428T>C on transcript NM_024675.4 (MANE Select); coding-DNA position 3428, T replaced by C.
Protein change: p.Leu1143Pro; replaces leucine 1143 with proline.
Molecular consequence: missense variant.
Genome position (GRCh38, 1-based): chr16:23,603,592, A>G on the plus strand (T>C on the coding strand, the complement: PALB2 is on the minus strand). VCF-style: chr16-23603592-A-G. GRCh37 (hg19) VCF-style: chr16-23614913-A-G.
Other names: short protein forms L1143P.
Identifiers: ClinVar variation 126741 (VCV000126741.16), dbSNP rs62625284, ClinGen allele CA269619.

ClinVar aggregate classification (germline): Uncertain significance. Review status: criteria provided, multiple submitters, no conflicts (2 of 4 stars). 4 submissions from 4 submitters: Uncertain significance (3). 1 of the submissions does not count toward it. Last evaluated 2025-09-27.

Conditions:
Familial cancer of breast. Also called: BREAST CANCER, FAMILIAL; Hereditary breast cancer; hereditary breast carcinoma. Identifiers: Orphanet 227535, MedGen C0346153, MONDO:0016419, OMIM 114480. Disease mechanism: loss of function.
Pancreatic cancer, susceptibility to, 3. Identifiers: Orphanet 1333, MedGen C3150547, MONDO:0013236, OMIM 613348.
Fanconi anemia complementation group N. Also called: PALB2-Related Fanconi Anemia. Identifiers: Orphanet 84, MedGen C1835817, MONDO:0012565, OMIM 610832. Disease mechanism: loss of function.
Hereditary cancer-predisposing syndrome. Also called: Tumor predisposition; Hereditary Cancer Syndrome; Neoplastic Syndromes, Hereditary; Hereditary neoplastic syndrome. Identifiers: Orphanet 140162, MedGen C0027672, MeSH D009386, MONDO:0015356.

Allele frequency attached by ClinVar (database versions not stated): TOPMed 0.00001.
gnomAD v4.1: 1 of 1,614,164 alleles (0.000062%); highest among the groups gnomAD compares: Non-Finnish European, 0.000085%; no homozygotes.

Submissions (4):

Labcorp Genetics (formerly Invitae), Labcorp
Classification: Uncertain significance for Familial cancer of breast. Last evaluated: 2025-09-27. Review status: criteria provided, single submitter. Criteria: Invitae Variant Classification Sherloc (09022015). Collection method: clinical testing. Allele origin: germline.
Comment: This sequence change replaces leucine, which is neutral and non-polar, with proline, which is neutral and non-polar, at codon 1143 of the PALB2 protein (p.Leu1143Pro). This variant is not present in population databases (gnomAD no frequency). This missense change has been observed in individual(s) with breast cancer (PMID: 21618343). ClinVar contains an entry for this variant (Variation ID: 126741). An algorithm developed to predict the effect of missense changes on protein structure and function (PolyPhen-2) suggests that this variant is likely to be disruptive. Experimental studies are conflicting or provide insufficient evidence to determine the effect of this variant on PALB2 function (PMID: 24141787, 31586400, 31636395). In summary, the available evidence is currently insufficient to determine the role of this variant in disease. Therefore, it has been classified as a Variant of Uncertain Significance.

Ambry Genetics
Classification: Uncertain significance for Hereditary cancer-predisposing syndrome. Last evaluated: 2019-12-19. Review status: criteria provided, single submitter. Criteria: Ambry Variant Classification Scheme 2023. Collection method: clinical testing. Allele origin: germline.
Comment: The p.L1143P variant (also known as c.3428T>C), located in coding exon 13 of the PALB2 gene, results from a T to C substitution at nucleotide position 3428. The leucine at codon 1143 is replaced by proline, an amino acid with similar properties. This alteration has been identified in breast cancer patients but not in controls in multiple studies (Hellebrand H et al. Hum. Mutat., 2011 Jun;32:E2176-88; Thompson ER et al. Breast Cancer Res., 2015 Aug;17:111). Functional analyses of the p.L1143P alteration have demonstrated decreased capacity for DNA double-strand break-induced homologous recombination and an increased cellular sensitivity to ionizing radiation (Park JY et al. Oncogene, 2014 Oct;33:4803-12). This amino acid position is not well conserved in available vertebrate species. In addition, the in silico prediction for this alteration is inconclusive. Since supporting evidence is limited at this time, the clinical significance of this alteration remains unclear.

Fulgent Genetics
Classification: Uncertain significance for Familial cancer of breast; Fanconi anemia complementation group N; Pancreatic cancer, susceptibility to, 3. Last evaluated: 2018-10-31. Review status: criteria provided, single submitter. Criteria: ACMG Guidelines, 2015. Collection method: clinical testing. Allele origin: unknown.

Leiden Open Variation Database
Classification: Uncertain significance for Familial cancer of breast. Last evaluated: 2019-05-13. Review status: no assertion criteria provided. Collection method: curation. Allele origin: germline. Affected: yes. Not counted in ClinVar's aggregate classification.
Comment: Curators: Marc Tischkowitz, Arleen D. Auerbach. Submitter to LOVD: Marc Tischkowitz.

Literature cited by the submitters: PubMed 21618343 (cited by 3 submitters); PubMed 24141787 (cited by Labcorp Genetics (formerly Invitae), Labcorp and Ambry Genetics); PubMed 31586400 (cited by Labcorp Genetics (formerly Invitae), Labcorp); PubMed 31636395 (cited by Labcorp Genetics (formerly Invitae), Labcorp and Ambry Genetics); PubMed 20852946 (cited by Ambry Genetics and Leiden Open Variation Database); PubMed 26283626 (cited by Ambry Genetics); PubMed 27099641 (cited by Ambry Genetics).